The following is an entry in ClinVar:

ClinVar aggregate classification (germline): Likely pathogenic (1 of 4 stars; one submission).

Conditions:
Congenital contractures of the limbs and face, hypotonia, and developmental delay (CLIFAHDD). Identifiers: Orphanet 562528, MedGen C4225398, MONDO:0014556, OMIM 616266.

Submission:

Foundation for Research in Genetics and Endocrinology, FRIGE's Institute of Human Genetics
Classification: Likely pathogenic for Congenital contractures of the limbs and face, hypotonia, and developmental delay. Last evaluated: 2024-10-24. Review status: criteria provided, single submitter. Criteria: ACMG Guidelines, 2015. Collection method: clinical testing. Allele origin: germline. Inheritance: Autosomal dominant inheritance. Affected: yes. Observed: 1 heterozygote.
Comment: A heterozygous variant in Intron 27 of the NALCN gene was detected. The observed variant c.3163-1G>A has not been reported in the 1000 genomes and gnomAD databases. The in silico prediction of the variant are possibly damaging by MutationTaster2. In summary, the variant meets our criteria to be classified as likely pathogenic.

NM_052867.4(NALCN):c.3163-1G>A

Gene: NALCN (sodium leak channel, non-selective; minus strand). Cytogenetic location: 13q32.3.
Variant type: single nucleotide variant.
Coding change: c.3163-1G>A on transcript NM_052867.4 (MANE Select); the canonical splice acceptor site of the intron before coding-DNA position 3163, G replaced by A.
Molecular consequence: splice acceptor variant.
Genome position (GRCh38, 1-based): chr13:101,095,681, C>T on the plus strand (G>A on the coding strand, the complement: NALCN is on the minus strand). VCF-style: chr13-101095681-C-T. GRCh37 (hg19) VCF-style: chr13-101748032-C-T.
Other names: c.3076-1G>A (NM_001350751.2, NM_001350750.2); c.3163-1G>A (NM_001350749.2); c.3250-1G>A (NM_001350748.2).
Identifiers: ClinVar variation 3375487 (VCV003375487.2).